The following is an entry in ClinVar:

ClinVar aggregate classification (germline): Uncertain significance (1 of 4 stars; one submission).

Conditions:
Nephrolithiasis/nephrocalcinosis. Identifiers: MedGen CN580796.

Submission:

Ambry Genetics
Classification: Uncertain significance for Nephrolithiasis/nephrocalcinosis. Last evaluated: 2022-10-22. Review status: criteria provided, single submitter. Criteria: Ambry Variant Classification Scheme 2023. Collection method: clinical testing. Allele origin: germline.
Comment: The p.A213P variant (also known as c.637G>C), located in coding exon 3 of the CASR gene, results from a G to C substitution at nucleotide position 637. The alanine at codon 213 is replaced by proline, an amino acid with highly similar properties. This amino acid position is conserved. In addition, this alteration is predicted to be deleterious by in silico analysis. Since supporting evidence is limited at this time, the clinical significance of this alteration remains unclear.

NM_000388.4(CASR):c.637G>C (p.Ala213Pro)

Gene: CASR (calcium sensing receptor; plus strand). Cytogenetic location: 3q21.1.
Variant type: single nucleotide variant.
Coding change: c.637G>C on transcript NM_000388.4 (MANE Select); coding-DNA position 637, G replaced by C.
Protein change: p.Ala213Pro; replaces alanine 213 with proline.
Molecular consequence: missense variant.
Genome position (GRCh38, 1-based): chr3:122,261,672, G>C. VCF-style: chr3-122261672-G-C. GRCh37 (hg19) VCF-style: chr3-121980519-G-C.
Other names: c.637G>C, p.Ala213Pro (NM_001178065.2); short protein forms A213P.
Identifiers: ClinVar variation 1753168 (VCV001753168.2), dbSNP rs2473225755, ClinGen allele CA354151020.
Genomic context (GRCh38, chr3:122,261,672, plus strand): 5'-CAGGCCACTGCCATGGCAGACATCATCGAGTATTTCCGCTGGAACTGGGTGGGCACAATT[G>C]CAGCTGATGACGACTATGGGCGGCCGGGGATTGAGAAATTCCGAGAGGAAGCTGAGGAAA-3'
Protein context (NP_000379.3, residues 203-223): YFRWNWVGTI[Ala213Pro]ADDDYGRPGI